The following is an entry in ClinVar:

NM_001378418.1(TCF20):c.2011A>G (p.Asn671Asp)

Gene: TCF20 (transcription factor 20; minus strand). Cytogenetic location: 22q13.2.
Variant type: single nucleotide variant.
Coding change: c.2011A>G on transcript NM_001378418.1 (MANE Select); coding-DNA position 2011, A replaced by G.
Protein change: p.Asn671Asp; replaces asparagine 671 with aspartic acid.
Molecular consequence: missense variant.
Genome position (GRCh38, 1-based): chr22:42,213,295, T>C on the plus strand (A>G on the coding strand, the complement: TCF20 is on the minus strand). VCF-style: chr22-42213295-T-C. GRCh37 (hg19) VCF-style: chr22-42609301-T-C.
Other names: c.2011A>G, p.Asn671Asp (NM_005650.4, NM_181492.3); short protein forms N671D.
Identifiers: ClinVar variation 2721141 (VCV002721141.3), dbSNP rs1027422376, ClinGen allele CA324701820.

ClinVar aggregate classification (germline): Uncertain significance (1 of 4 stars; one submission).

Allele frequency attached by ClinVar (database versions not stated): gnomAD 0.00001; gnomAD exomes 0.00001; TOPMed 0.00001.
gnomAD v4.1: 11 of 1,614,088 alleles (0.00068%); highest among the groups gnomAD compares: Non-Finnish European, 0.00093%; no homozygotes.

Submission:

Labcorp Genetics (formerly Invitae), Labcorp
Classification: Uncertain significance. Last evaluated: 2024-03-16. Review status: criteria provided, single submitter. Criteria: Invitae Variant Classification Sherloc (09022015). Collection method: clinical testing. Allele origin: germline.
Comment: This sequence change replaces asparagine, which is neutral and polar, with aspartic acid, which is acidic and polar, at codon 671 of the TCF20 protein (p.Asn671Asp). This variant is not present in population databases (gnomAD no frequency). This variant has not been reported in the literature in individuals affected with TCF20-related conditions. An algorithm developed to predict the effect of missense changes on protein structure and function (PolyPhen-2) suggests that this variant is likely to be tolerated. In summary, the available evidence is currently insufficient to determine the role of this variant in disease. Therefore, it has been classified as a Variant of Uncertain Significance.